The following is an entry in ClinVar:

ClinVar aggregate classification (germline): Benign. Review status: criteria provided, multiple submitters, no conflicts (2 of 4 stars). 13 submissions from 8 submitters: Benign (13). Last evaluated 2026-01-26.

Conditions:
Inborn genetic diseases. Identifiers: MedGen C0950123, MeSH D030342.
Hereditary cryohydrocytosis with reduced stomatin. Also called: Stomatin-deficient cryohydrocytosis with neurologic defects; GLUT1 DEFICIENCY SYNDROME WITH PSEUDOHYPERKALEMIA AND HEMOLYSIS. Identifiers: Orphanet 168577, MedGen C1837206, MONDO:0012143, OMIM 608885.
Dystonia 9 (DYT9). Also called: CHOREOATHETOSIS, KINESIGENIC, WITH EPISODIC ATAXIA AND SPASTICITY. Identifiers: Orphanet 53583, MedGen C1832855, MONDO:0010983, OMIM 601042.
Epilepsy, idiopathic generalized, susceptibility to, 12 (EIG12). Identifiers: MedGen C3553859, MONDO:0013919, OMIM 614847.
Encephalopathy due to GLUT1 deficiency. Also called: De Vivo disease; Glucose transporter protein syndrome; GLUT1 deficiency syndrome 1; GLUT1 deficiency syndrome 1, infantile onset, severe; Classic Glucose Transporter Type 1 Deficiency Syndrome; GLUCOSE TRANSPORT DEFECT, BLOOD-BRAIN BARRIER. Identifiers: Orphanet 71277, MedGen C4551966, MONDO:0011724, OMIM 606777.
Childhood onset GLUT1 deficiency syndrome 2. Also called: GLUT1 deficiency syndrome 2; PxMD-SLC2A1; PAROXYSMAL EXERCISE-INDUCED DYSKINESIA WITH OR WITHOUT EPILEPSY AND/OR HEMOLYTIC ANEMIA; PAROXYSMAL EXERTION-INDUCED DYSTONIA WITH OR WITHOUT EPILEPSY AND/OR HEMOLYTIC ANEMIA; PED WITH OR WITHOUT EPILEPSY AND/OR HEMOLYTIC ANEMIA; Exertion-induced paroxysmal dyskinesia. Identifiers: Orphanet 98811, MedGen C1842534, MONDO:0012805, OMIM 612126.
GLUT1 deficiency syndrome 1, autosomal recessive. Identifiers: MedGen C3149117.

Allele frequency attached by ClinVar (database versions not stated): ESP Exome Variant Server 0.00023; gnomAD 0.00070 and 0.00127; TOPMed 0.00130; gnomAD exomes 0.00284; ExAC 0.00293; 1000 Genomes Project 30x 0.00562; 1000 Genomes Project 0.00639.
gnomAD v4.1: 2,181 of 1,614,122 alleles (0.14%); highest among the groups gnomAD compares: East Asian, 4.1%; 43 homozygotes.

Submissions (13):

Labcorp Genetics (formerly Invitae), Labcorp
Classification: Benign for GLUT1 deficiency syndrome 1, autosomal recessive. Last evaluated: 2026-01-26. Review status: criteria provided, single submitter. Criteria: Invitae Variant Classification Sherloc (09022015). Collection method: clinical testing. Allele origin: germline.

Genome-Nilou Lab
Classification: Benign for Epilepsy, idiopathic generalized, susceptibility to, 12. Last evaluated: 2023-04-11. Review status: criteria provided, single submitter. Criteria: ACMG Guidelines, 2015. Collection method: clinical testing. Allele origin: germline. Affected: no.

Genome-Nilou Lab
Classification: Benign for Dystonia 9. Last evaluated: 2023-04-11. Review status: criteria provided, single submitter. Criteria: ACMG Guidelines, 2015. Collection method: clinical testing. Allele origin: germline. Affected: no.

Genome-Nilou Lab
Classification: Benign for Encephalopathy due to GLUT1 deficiency. Last evaluated: 2023-04-11. Review status: criteria provided, single submitter. Criteria: ACMG Guidelines, 2015. Collection method: clinical testing. Allele origin: germline. Affected: no.

Genome-Nilou Lab
Classification: Benign for Childhood onset GLUT1 deficiency syndrome 2. Last evaluated: 2023-04-11. Review status: criteria provided, single submitter. Criteria: ACMG Guidelines, 2015. Collection method: clinical testing. Allele origin: germline. Affected: no.

Genome-Nilou Lab
Classification: Benign for Hereditary cryohydrocytosis with reduced stomatin. Last evaluated: 2023-04-11. Review status: criteria provided, single submitter. Criteria: ACMG Guidelines, 2015. Collection method: clinical testing. Allele origin: germline. Affected: no.

CeGaT Center for Human Genetics Tuebingen
Classification: Benign. Last evaluated: 2022-06-01. Review status: criteria provided, single submitter. Criteria: CeGaT Center For Human Genetics Tuebingen Variant Classification Criteria Version 2. Collection method: clinical testing. Allele origin: germline. Affected: yes. Observed: 4 variant alleles.
Comment: SLC2A1: BP4, BP7, BS1, BS2

Illumina Laboratory Services, Illumina
Classification: Benign for Dystonia 9. Last evaluated: 2018-01-13. Review status: criteria provided, single submitter. Criteria: ICSL Variant Classification Criteria 13 December 2019. Collection method: clinical testing. Allele origin: germline.
Comment: This variant was observed in the ICSL laboratory as part of a predisposition screen in an ostensibly healthy population. It had not been previously curated by ICSL or reported in the Human Gene Mutation Database (HGMD: prior to June 1st, 2018), and was therefore a candidate for classification through an automated scoring system. Utilizing variant allele frequency, disease prevalence and penetrance estimates, and inheritance mode, an automated score was calculated to assess if this variant is too frequent to cause the disease. Based on the score and internal cut-off values, a variant classified as benign is not then subjected to further curation. The score for this variant resulted in a classification of benign for this disease.

Illumina Laboratory Services, Illumina
Classification: Benign for Encephalopathy due to GLUT1 deficiency. Last evaluated: 2018-01-13. Review status: criteria provided, single submitter. Criteria: ICSL Variant Classification Criteria 13 December 2019. Collection method: clinical testing. Allele origin: germline.
Comment: the same text as in the submission from Illumina Laboratory Services, Illumina above.

Ambry Genetics
Classification: Benign for Inborn genetic diseases. Last evaluated: 2016-06-20. Review status: criteria provided, single submitter. Criteria: Ambry Variant Classification Scheme 2023. Collection method: clinical testing. Allele origin: germline.

Genetic Services Laboratory, University of Chicago
Classification: Benign. Last evaluated: 2016-01-26. Review status: criteria provided, single submitter. Criteria: ACMG Guidelines, 2015. Collection method: clinical testing. Allele origin: germline. Affected: no.

Eurofins Ntd Llc (ga)
Classification: Benign. Last evaluated: 2015-09-03. Review status: criteria provided, single submitter. Criteria: EGL Classification Definitions 2015. Collection method: clinical testing. Allele origin: germline. Observed: 1 variant allele, 1 heterozygote.

GeneDx
Classification: Benign. Last evaluated: 2013-03-21. Review status: criteria provided, single submitter. Criteria: GeneDx Variant Classification (06012015). Collection method: clinical testing. Allele origin: germline. Affected: yes.
Comment: This variant is considered likely benign or benign based on one or more of the following criteria: it is a conservative change, it occurs at a poorly conserved position in the protein, it is predicted to be benign by multiple in silico algorithms, and/or has population frequency not consistent with disease.

NM_006516.4(SLC2A1):c.1372C>A (p.Arg458=)

Gene: SLC2A1 (solute carrier family 2 member 1; minus strand). Cytogenetic location: 1p34.2.
Variant type: single nucleotide variant.
Coding change: c.1372C>A on transcript NM_006516.4 (MANE Select); coding-DNA position 1372, C replaced by A.
Protein change: p.Arg458=; no amino-acid change (arginine 458 retained).
Molecular consequence: synonymous variant.
Genome position (GRCh38, 1-based): chr1:42,927,148, G>T on the plus strand (C>A on the coding strand, the complement: SLC2A1 is on the minus strand). VCF-style: chr1-42927148-G-T. GRCh37 (hg19) VCF-style: chr1-43392819-G-T.
Other names: p.R458R:CGG>AGG.
Identifiers: ClinVar variation 139167 (VCV000139167.56), dbSNP rs13306758, ClinGen allele CA019061.